The following is an entry in ClinVar:

ClinVar aggregate classification (germline): Pathogenic. Review status: criteria provided, multiple submitters, no conflicts (2 of 4 stars). 3 submissions from 3 submitters: Pathogenic (3). Last evaluated 2023-11-09.

Conditions:
Retinal dystrophy. Also called: Inherited retinal dystrophy. Identifiers: Orphanet 71862, MedGen C0854723, MeSH D058499, MONDO:0019118, HP:0000556.
Mucopolysaccharidosis, MPS-III-C (MPS3C). Also called: MPS IIIC (Sanfilippo Syndrome Type C); MPS III C; MUCOPOLYSACCHARIDOSIS, TYPE IIIC; SANFILIPPO SYNDROME C; Mucopolysaccharidosis type IIIC (Sanfilippo C); mucopolysaccharidosis type 3C. Identifiers: Orphanet 581, Orphanet 79271, MedGen C0086649, MONDO:0009657, OMIM 252930.
Retinitis pigmentosa 73 (RP73). Identifiers: Orphanet 791, MedGen C4225287, MONDO:0014687, OMIM 616544.

Allele frequency attached by ClinVar (database versions not stated): ExAC 0.00001; gnomAD exomes below 0.00001.

Submissions (3):

Labcorp Genetics (formerly Invitae), Labcorp
Classification: Pathogenic for Retinitis pigmentosa 73; Mucopolysaccharidosis, MPS-III-C. Last evaluated: 2023-11-09. Review status: criteria provided, single submitter. Criteria: Invitae Variant Classification Sherloc (09022015). Collection method: clinical testing. Allele origin: germline.
Comment: This sequence change creates a premature translational stop signal (p.Gln350*) in the HGSNAT gene. It is expected to result in an absent or disrupted protein product. Loss-of-function variants in HGSNAT are known to be pathogenic (PMID: 17033958, 19479962). This variant is present in population databases (rs752939204, gnomAD 0.006%). This premature translational stop signal has been observed in individual(s) with autosomal recessive retinitis pigmentosa (PMID: 32347150). It has also been observed to segregate with disease in related individuals. ClinVar contains an entry for this variant (Variation ID: 638471). For these reasons, this variant has been classified as Pathogenic.

Dept Of Ophthalmology, Nagoya University
Classification: Pathogenic for Retinal dystrophy. Last evaluated: 2023-10-01. Review status: criteria provided, single submitter. Criteria: Submitter's publication. Collection method: research. Allele origin: germline. Affected: yes.

Genomic Research Center, Shahid Beheshti University of Medical Sciences
Classification: Pathogenic for Mucopolysaccharidosis, MPS-III-C. Last evaluated: 2019-04-27. Review status: criteria provided, single submitter. Criteria: ACMG Guidelines, 2015. Collection method: clinical testing. Allele origin: inherited. Affected: yes.

Literature cited by the submitters: PubMed 17033958 (cited by Labcorp Genetics (formerly Invitae), Labcorp); PubMed 19479962 (cited by Labcorp Genetics (formerly Invitae), Labcorp); PubMed 32347150 (cited by Labcorp Genetics (formerly Invitae), Labcorp).

NM_152419.3(HGSNAT):c.1048C>T (p.Gln350Ter)

Gene: HGSNAT (heparan-alpha-glucosaminide N-acetyltransferase; plus strand). Cytogenetic location: 8p11.21.
Variant type: single nucleotide variant.
Coding change: c.1048C>T on transcript NM_152419.3 (MANE Select); coding-DNA position 1048, C replaced by T.
Protein change: p.Gln350Ter; replaces glutamine 350 with a stop codon.
Molecular consequence: nonsense.
Genome position (GRCh38, 1-based): chr8:43,182,180, C>T. VCF-style: chr8-43182180-C-T. GRCh37 (hg19) VCF-style: chr8-43037323-C-T.
Other names: c.1048C>T, p.Gln350Ter (NM_001363227.2); c.856C>T, p.Gln286Ter (NM_001363228.2); c.184C>T, p.Gln62Ter (NM_001363229.2); short protein forms Q350*, Q286*, Q62*.
Identifiers: ClinVar variation 638471 (VCV000638471.7), dbSNP rs752939204, ClinGen allele CA4736738.